The following is an entry in ClinVar:

ClinVar aggregate classification (germline): Conflicting classifications of pathogenicity. Review status: criteria provided, conflicting classifications (1 of 4 stars). 2 submissions from 2 submitters: Uncertain significance (1); Likely benign (1). Last evaluated 2026-03-06.

Conditions:
Familial thoracic aortic aneurysm and aortic dissection (TAAD). Also called: Thoracic aortic aneurysms and dissections. Identifiers: Orphanet 91387, MedGen C4707243, MONDO:0019625.
Ehlers-Danlos syndrome, type 4 (EDSVASC). Also called: Ehlers-Danlos syndrome vascular type; Ehlers Danlos syndrome, ecchymotic type; Ehlers Danlos syndrome, arterial type; Ehlers Danlos syndrome, Sack-Barabas type; Ehlers-Danlos Syndrome Type IV. Identifiers: Orphanet 286, MedGen C0268338, MONDO:0017314, OMIM 130050.

Allele frequency attached by ClinVar (database versions not stated): TOPMed 0.00001.

Submissions (2):

Ambry Genetics
Classification: Uncertain significance for Familial thoracic aortic aneurysm and aortic dissection. Last evaluated: 2026-03-06. Review status: criteria provided, single submitter. Criteria: Ambry Variant Classification Scheme 2023. Collection method: clinical testing. Allele origin: germline.
Comment: The c.3819G>A variant (also known as p.K1273K), located in coding exon 48 of the COL3A1 gene, results from a G to A substitution at nucleotide position 3819. This nucleotide substitution does not change the amino acid at codon 1273. This nucleotide position is well conserved in available vertebrate species. In silico splice site analysis for this alteration is inconclusive. Based on the available evidence, the clinical significance of this variant remains unclear.

Labcorp Genetics (formerly Invitae), Labcorp
Classification: Likely benign for Ehlers-Danlos syndrome, type 4. Last evaluated: 2018-04-10. Review status: criteria provided, single submitter. Criteria: Invitae Variant Classification Sherloc (09022015). Collection method: clinical testing. Allele origin: germline.

NM_000090.4(COL3A1):c.3819G>A (p.Lys1273=)

Gene: COL3A1 (collagen type III alpha 1 chain; plus strand). Cytogenetic location: 2q32.2.
Variant type: single nucleotide variant.
Coding change: c.3819G>A on transcript NM_000090.4 (MANE Select); coding-DNA position 3819, G replaced by A.
Protein change: p.Lys1273=; no amino-acid change (lysine 1273 retained).
Molecular consequence: synonymous variant.
Genome position (GRCh38, 1-based): chr2:189,009,217, G>A. VCF-style: chr2-189009217-G-A. GRCh37 (hg19) VCF-style: chr2-189873943-G-A.
Identifiers: ClinVar variation 757932 (VCV000757932.11), dbSNP rs1219896056, ClinGen allele CA430406327.